The following is an entry in ClinVar:

ClinVar aggregate classification (germline): Conflicting classifications of pathogenicity. Review status: criteria provided, conflicting classifications (1 of 4 stars). 3 submissions from 3 submitters: Uncertain significance (2); Likely benign (1). Last evaluated 2025-07-09.

Conditions:
Hypertrophic cardiomyopathy 26. Also called: Cardiomyopathy, familial hypertrophic, 26. Identifiers: Orphanet 75249, MedGen C4310749, MONDO:0014883, OMIM 617047.
Myofibrillar myopathy 5. Also called: FILAMINOPATHY, AUTOSOMAL DOMINANT; Filaminopathy (type). Identifiers: Orphanet 171445, MedGen C1836050, MONDO:0012289, OMIM 609524.
Distal myopathy with posterior leg and anterior hand involvement. Also called: WILLIAMS DISTAL MYOPATHY. Identifiers: Orphanet 63273, MedGen C3279722, MONDO:0013550, OMIM 614065.

Allele frequency attached by ClinVar (database versions not stated): gnomAD 0.00001; gnomAD exomes 0.00001; TOPMed 0.00002.
gnomAD v4.1: 12 of 1,613,222 alleles (0.00074%); highest among the groups gnomAD compares: African/African-American, 0.0027%; no homozygotes.

Submissions (3):

Labcorp Genetics (formerly Invitae), Labcorp
Classification: Likely benign for Distal myopathy with posterior leg and anterior hand involvement; Myofibrillar myopathy 5; Hypertrophic cardiomyopathy 26. Last evaluated: 2025-07-09. Review status: criteria provided, single submitter. Criteria: Invitae Variant Classification Sherloc (09022015). Collection method: clinical testing. Allele origin: germline.

Revvity Omics, Revvity
Classification: Uncertain significance. Last evaluated: 2020-11-06. Review status: criteria provided, single submitter. Criteria: ACMG Guidelines, 2015. Collection method: clinical testing. Allele origin: germline.

GeneDx
Classification: Uncertain significance. Last evaluated: 2019-11-11. Review status: criteria provided, single submitter. Criteria: GeneDx Variant Classification Process June 2021. Collection method: clinical testing. Allele origin: germline. Affected: yes.
Comment: Has not been previously published as pathogenic or benign to our knowledge; Not observed at a significant frequency in large population cohorts (Lek et al., 2016); In silico analysis, which includes protein predictors and evolutionary conservation, supports that this variant does not alter protein structure/function

NM_001458.5(FLNC):c.6527G>A (p.Arg2176His)

Genes: FLNC-AS1 (FLNC antisense RNA 1; minus strand), FLNC (filamin C; plus strand). Cytogenetic location: 7q32.1.
Variant type: single nucleotide variant.
Coding change: c.6527G>A on transcript NM_001458.5 (MANE Select); coding-DNA position 6527, G replaced by A.
Protein change: p.Arg2176His; replaces arginine 2176 with histidine.
Molecular consequence: missense variant.
Genome position (GRCh38, 1-based): chr7:128,854,016, G>A. VCF-style: chr7-128854016-G-A. GRCh37 (hg19) VCF-style: chr7-128494070-G-A.
Other names: c.6428G>A, p.Arg2143His (NM_001127487.2); short protein forms R2143H, R2176H.
Identifiers: ClinVar variation 1310371 (VCV001310371.11), dbSNP rs1295294313, ClinGen allele CA369212753.